The following is an entry in ClinVar:

NM_014425.5(INVS):c.1672G>A (p.Ala558Thr)

Gene: INVS (inversin; plus strand). Cytogenetic location: 9q31.1.
Variant type: single nucleotide variant.
Coding change: c.1672G>A on transcript NM_014425.5 (MANE Select); coding-DNA position 1672, G replaced by A.
Protein change: p.Ala558Thr; replaces alanine 558 with threonine.
Molecular consequence: missense variant. On other transcripts: non-coding transcript variant (1).
Genome position (GRCh38, 1-based): chr9:100,272,964, G>A. VCF-style: chr9-100272964-G-A. GRCh37 (hg19) VCF-style: chr9-103035246-G-A.
Other names: c.1384G>A, p.Ala462Thr (NM_001318381.2); c.694G>A, p.Ala232Thr (NM_001318382.2); c.1672G>A (NM_014425.2); short protein forms A232T, A558T, A462T.
Identifiers: ClinVar variation 2151085 (VCV002151085.4), dbSNP rs931945789, ClinGen allele CA196885228.

ClinVar aggregate classification (germline): Uncertain significance. Review status: criteria provided, multiple submitters, no conflicts (2 of 4 stars). 2 submissions from 2 submitters: Uncertain significance (2). Last evaluated 2025-05-18.

Conditions:
Inborn genetic diseases. Identifiers: MedGen C0950123, MeSH D030342.
Nephronophthisis. Also called: Juvenile Nephronophthisis. Identifiers: Orphanet 655, MedGen C0687120, MONDO:0019005, HP:0000090.

Allele frequency attached by ClinVar (database versions not stated): gnomAD exomes below 0.00001; TOPMed 0.00001.
gnomAD v4.1: 8 of 1,614,018 alleles (0.0005%); highest among the groups gnomAD compares: East Asian, 0.0045%; no homozygotes.

Submissions (2):

Ambry Genetics
Classification: Uncertain significance for Inborn genetic diseases. Last evaluated: 2025-05-18. Review status: criteria provided, single submitter. Criteria: Ambry Variant Classification Scheme 2023. Collection method: clinical testing. Allele origin: germline.

Labcorp Genetics (formerly Invitae), Labcorp
Classification: Uncertain significance for Nephronophthisis. Last evaluated: 2022-08-16. Review status: criteria provided, single submitter. Criteria: Invitae Variant Classification Sherloc (09022015). Collection method: clinical testing. Allele origin: germline.
Comment: This sequence change replaces alanine, which is neutral and non-polar, with threonine, which is neutral and polar, at codon 558 of the INVS protein (p.Ala558Thr). This variant is present in population databases (no rsID available, gnomAD 0.02%). This variant has not been reported in the literature in individuals affected with INVS-related conditions. Algorithms developed to predict the effect of missense changes on protein structure and function (SIFT, PolyPhen-2, Align-GVGD) all suggest that this variant is likely to be disruptive. In summary, the available evidence is currently insufficient to determine the role of this variant in disease. Therefore, it has been classified as a Variant of Uncertain Significance.